The following is an entry in ClinVar:

NC_000006.11:g.(?_64694266)_(64791905_?)del

Gene: EYS (eyes shut homolog; minus strand). Cytogenetic location: 6q12.
Variant type: Deletion.
Identifiers: ClinVar variation 1459238 (VCV001459238.4).

ClinVar aggregate classification (germline): Pathogenic (1 of 4 stars; one submission).

Submission:

Labcorp Genetics (formerly Invitae), Labcorp
Classification: Pathogenic. Last evaluated: 2022-03-11. Review status: criteria provided, single submitter. Criteria: Invitae Variant Classification Sherloc (09022015). Collection method: clinical testing. Allele origin: germline.
Comment: This variant is a gross deletion of the genomic region encompassing exon(s) 32-35 of the EYS gene. This deletion is out-of-frame, and is expected to create a premature termination codon and result in an absent or disrupted protein product. Loss-of-function variants in EYS are known to be pathogenic (PMID: 18836446, 20333770). This variant has not been reported in the literature in individuals affected with EYS-related conditions. For these reasons, this variant has been classified as Pathogenic.

Literature cited by the submitters: PubMed 18836446; PubMed 20333770.